The following is an entry in ClinVar:

NM_022841.7(RFX7):c.3766A>G (p.Lys1256Glu)

Gene: RFX7 (regulatory factor X7; minus strand). Cytogenetic location: 15q21.3.
Variant type: single nucleotide variant.
Coding change: c.3766A>G on transcript NM_022841.7 (MANE Select); coding-DNA position 3766, A replaced by G.
Protein change: p.Lys1256Glu; replaces lysine 1256 with glutamic acid.
Molecular consequence: missense variant.
Genome position (GRCh38, 1-based): chr15:56,093,962, T>C on the plus strand (A>G on the coding strand, the complement: RFX7 is on the minus strand). VCF-style: chr15-56093962-T-C. GRCh37 (hg19) VCF-style: chr15-56386160-T-C.
Other names: c.3475A>G, p.Lys1159Glu (NM_001368073.2, NM_001368074.1, NM_001370554.1); c.3766A>G, p.Lys1256Glu (NM_001370561.1); short protein forms K1159E, K1256E.
Identifiers: ClinVar variation 3373487 (VCV003373487.1).

ClinVar aggregate classification (germline): Uncertain significance (1 of 4 stars; one submission).

Submission:

GeneDx
Classification: Uncertain significance. Last evaluated: 2024-02-28. Review status: criteria provided, single submitter. Criteria: GeneDx Variant Classification Process June 2021. Collection method: clinical testing. Allele origin: germline. Affected: yes.
Comment: Not observed at significant frequency in large population cohorts (gnomAD); In silico analysis supports that this missense variant does not alter protein structure/function; Has not been previously published as pathogenic or benign to our knowledge